The following is an entry in ClinVar:

NM_020247.5(COQ8A):c.656-991GGGTGCG[3]

Gene: COQ8A (coenzyme Q8A; plus strand). Cytogenetic location: 1q42.13.
Variant type: Microsatellite.
Coding change: c.656-991GGGTGCG[3] on transcript NM_020247.5 (MANE Select); three copies in a row of the 7-base unit GGGTGCG starting at c.656-991.
Molecular consequence: intron variant.
Genome position: GRCh38 VCF-style: chr1-226976457-C-CGGGTGCG. GRCh37 (hg19) VCF-style: chr1-227164158-C-CGGGTGCG.
Identifiers: ClinVar variation 2639977 (VCV002639977.24), dbSNP rs563269460, ClinGen allele CA38638884.

ClinVar aggregate classification (germline): Benign (1 of 4 stars; one submission).

Submission:

CeGaT Center for Human Genetics Tuebingen
Classification: Benign. Last evaluated: 2023-05-01. Review status: criteria provided, single submitter. Criteria: CeGaT Center For Human Genetics Tuebingen Variant Classification Criteria Version 2. Collection method: clinical testing. Allele origin: germline. Affected: yes. Observed: 2 variant alleles.
Comment: COQ8A: BS1, BS2